The following is an entry in ClinVar:

NM_024596.5(MCPH1):c.165C>A (p.Gly55=)

Gene: MCPH1 (microcephalin 1; plus strand). Cytogenetic location: 8p23.1.
Variant type: single nucleotide variant.
Coding change: c.165C>A on transcript NM_024596.5 (MANE Select); coding-DNA position 165, C replaced by A.
Protein change: p.Gly55=; no amino-acid change (glycine 55 retained).
Molecular consequence: synonymous variant. On other transcripts: non-coding transcript variant (1).
Genome position (GRCh38, 1-based): chr8:6,414,815, C>A. VCF-style: chr8-6414815-C-A. GRCh37 (hg19) VCF-style: chr8-6272336-C-A.
Other names: c.165C>A, p.Gly55= (NM_001172574.2, NM_001172575.2, NM_001322042.2 and 2 more transcripts); c.159C>A, p.Gly53= (NM_001322043.2); c.63C>A, p.Gly21= (NM_001322045.2).
Identifiers: ClinVar variation 1615624 (VCV001615624.9), dbSNP rs772896845, ClinGen allele CA4610092.

ClinVar aggregate classification (germline): Likely benign. Review status: criteria provided, multiple submitters, no conflicts (2 of 4 stars). 2 submissions from 2 submitters: Likely benign (2). Last evaluated 2026-08-01.

Allele frequency attached by ClinVar (database versions not stated): ExAC 0.00001; gnomAD exomes 0.00012.
gnomAD v4.1: 112 of 1,613,600 alleles (0.0069%); highest among the groups gnomAD compares: Admixed American, 0.18%; 1 homozygote.

Submissions (2):

CeGaT Center for Human Genetics Tuebingen
Classification: Likely benign. Last evaluated: 2026-08-01. Review status: criteria provided, single submitter. Criteria: CeGaT Center For Human Genetics Tuebingen Variant Classification Criteria Version 2. Collection method: clinical testing. Allele origin: germline. Affected: yes. Observed: 1 variant allele.
Comment: MCPH1: BP4, BP7

Labcorp Genetics (formerly Invitae), Labcorp
Classification: Likely benign. Last evaluated: 2024-11-12. Review status: criteria provided, single submitter. Criteria: Invitae Variant Classification Sherloc (09022015). Collection method: clinical testing. Allele origin: germline.